The following is an entry in ClinVar:

ClinVar aggregate classification (germline): Pathogenic/Likely pathogenic. Review status: criteria provided, multiple submitters, no conflicts (2 of 4 stars). 3 submissions from 3 submitters: Pathogenic (1); Likely pathogenic (1). 1 of the submissions does not count toward it. Last evaluated 2018-11-13.

Conditions:
Familial thoracic aortic aneurysm and aortic dissection (TAAD). Also called: Thoracic aortic aneurysms and dissections. Identifiers: Orphanet 91387, MedGen C4707243, MONDO:0019625.
Marfan syndrome (MFS). Also called: Marfan syndrome type 1; Marfan syndrome, classic; Marfan's syndrome; FBN1-Related Marfan Syndrome; MARFAN SYNDROME, TYPE I. Identifiers: Orphanet 284963, Orphanet 558, MedGen C0024796, MONDO:0007947, OMIM 154700.

Submissions (3):

CHEO Genetics Diagnostic Laboratory, Children's Hospital of Eastern Ontario
Classification: Likely pathogenic for Familial thoracic aortic aneurysm and aortic dissection. Last evaluated: 2018-11-13. Review status: criteria provided, single submitter. Criteria: ACMG Guidelines, 2015. Collection method: clinical testing. Allele origin: germline.

Labcorp Genetics (formerly Invitae), Labcorp
Classification: Pathogenic for Marfan syndrome; Familial thoracic aortic aneurysm and aortic dissection. Last evaluated: 2018-03-07. Review status: criteria provided, single submitter. Criteria: Invitae Variant Classification Sherloc (09022015). Collection method: clinical testing. Allele origin: germline.
Comment: This variant affects a cysteine residue located within an epidermal-growth-factor (EGF)–like domain of the FBN1 protein. Cysteine residues in these domains have been shown to be involved in the formation of disulfide bridges, which are critical for FBN1 protein structure and stability (PMID: 10486319, 3495735, 4750422, 16677079). In addition, missense substitutions within the FBN1 EGF-like domains affecting cysteine residues are significantly overrepresented among patients with Marfan syndrome (PMID: 16571647, 17701892). For these reasons, this variant has been classified as Pathogenic. This variant has been reported in individuals affected with Marfan syndrome-related disease (PMID: 17657824, Invitae). This variant is not present in population databases (ExAC no frequency). This sequence change replaces cysteine with tryptophan at codon 2470 of the FBN1 protein (p.Cys2470Trp). The cysteine residue is highly conserved and there is a large physicochemical difference between cysteine and tryptophan.

Center for Medical Genetics Ghent, University of Ghent
Classification: Likely pathogenic for Marfan syndrome. Last evaluated: 2017-11-07. Review status: no assertion criteria provided. Collection method: clinical testing. Allele origin: germline. Affected: yes. Not counted in ClinVar's aggregate classification.

Literature cited by the submitters: PubMed 10486319 (cited by Labcorp Genetics (formerly Invitae), Labcorp); PubMed 3495735 (cited by Labcorp Genetics (formerly Invitae), Labcorp); PubMed 4750422 (cited by Labcorp Genetics (formerly Invitae), Labcorp); PubMed 16677079 (cited by Labcorp Genetics (formerly Invitae), Labcorp); PubMed 16571647 (cited by Labcorp Genetics (formerly Invitae), Labcorp); PubMed 17701892 (cited by Labcorp Genetics (formerly Invitae), Labcorp); PubMed 17657824 (cited by Labcorp Genetics (formerly Invitae), Labcorp).

NM_000138.5(FBN1):c.7410C>G (p.Cys2470Trp)

Gene: FBN1 (fibrillin 1; minus strand). Cytogenetic location: 15q21.1.
Variant type: single nucleotide variant.
Coding change: c.7410C>G on transcript NM_000138.5 (MANE Select); coding-DNA position 7410, C replaced by G.
Protein change: p.Cys2470Trp; replaces cysteine 2470 with tryptophan.
Molecular consequence: missense variant.
Genome position (GRCh38, 1-based): chr15:48,425,412, G>C on the plus strand (C>G on the coding strand, the complement: FBN1 is on the minus strand). VCF-style: chr15-48425412-G-C. GRCh37 (hg19) VCF-style: chr15-48717609-G-C.
Other names: short protein forms C2470W.
Identifiers: ClinVar variation 549408 (VCV000549408.10), dbSNP rs1555394397, ClinGen allele CA16044093.